The following is an entry in ClinVar:

NM_002979.5(SCP2):c.1258G>A (p.Glu420Lys)

Gene: SCP2 (sterol carrier protein 2; plus strand). Cytogenetic location: 1p32.3.
Variant type: single nucleotide variant.
Coding change: c.1258G>A on transcript NM_002979.5 (MANE Select); coding-DNA position 1258, G replaced by A.
Protein change: p.Glu420Lys; replaces glutamic acid 420 with lysine.
Molecular consequence: missense variant.
Genome position (GRCh38, 1-based): chr1:53,027,991, G>A. VCF-style: chr1-53027991-G-A. GRCh37 (hg19) VCF-style: chr1-53493663-G-A.
Other names: c.46G>A, p.Glu16Lys (NM_001007099.3, NM_001007250.3); c.37G>A, p.Glu13Lys (NM_001007100.3); c.1186G>A, p.Glu396Lys (NM_001193599.2); c.1126G>A, p.Glu376Lys (NM_001193600.2); c.1015G>A, p.Glu339Lys (NM_001193617.2); short protein forms E339K, E396K, E16K, E420K, E13K, E376K.
Identifiers: ClinVar variation 1442490 (VCV001442490.6), dbSNP rs2150246027, ClinGen allele CA340377418.

ClinVar aggregate classification (germline): Uncertain significance (1 of 4 stars; one submission).

Submission:

Labcorp Genetics (formerly Invitae), Labcorp
Classification: Uncertain significance. Last evaluated: 2021-08-06. Review status: criteria provided, single submitter. Criteria: Invitae Variant Classification Sherloc (09022015). Collection method: clinical testing. Allele origin: germline.
Comment: This sequence change replaces glutamic acid with lysine at codon 420 of the SCP2 protein (p.Glu420Lys). The glutamic acid residue is weakly conserved and there is a small physicochemical difference between glutamic acid and lysine. This variant is not present in population databases (ExAC no frequency). This variant has not been reported in the literature in individuals affected with SCP2-related conditions. Algorithms developed to predict the effect of missense changes on protein structure and function (SIFT, PolyPhen-2, Align-GVGD) all suggest that this variant is likely to be tolerated. In summary, the available evidence is currently insufficient to determine the role of this variant in disease. Therefore, it has been classified as a Variant of Uncertain Significance.